The following is an entry in ClinVar:

NM_005068.3(SIM1):c.754C>T (p.Leu252=)

Gene: SIM1 (SIM bHLH transcription factor 1; minus strand). Cytogenetic location: 6q16.3.
Variant type: single nucleotide variant.
Coding change: c.754C>T on transcript NM_005068.3 (MANE Select); coding-DNA position 754, C replaced by T.
Protein change: p.Leu252=; no amino-acid change (leucine 252 retained).
Molecular consequence: synonymous variant.
Genome position (GRCh38, 1-based): chr6:100,448,242, G>A on the plus strand (C>T on the coding strand, the complement: SIM1 is on the minus strand). VCF-style: chr6-100448242-G-A. GRCh37 (hg19) VCF-style: chr6-100896118-G-A.
Other names: c.754C>T, p.Leu252= (NM_001374769.1).
Identifiers: ClinVar variation 4991972 (VCV004991972.1).

ClinVar aggregate classification (germline): Likely benign (1 of 4 stars; one submission).

Conditions:
SIM1-related disorder. Also called: SIM1-related disorders; SIM1-related condition.

gnomAD v4.1: 1 of 1,612,650 alleles (0.000062%); highest among the groups gnomAD compares: Non-Finnish European, 0.000085%; no homozygotes.

Submission:

PreventionGenetics, part of Exact Sciences
Classification: Likely benign for SIM1-related condition. Last evaluated: 2026-06-10. Review status: criteria provided, single submitter. Criteria: ACMG Guidelines, 2015. Collection method: clinical testing. Allele origin: germline.
Comment: This variant is classified as likely benign based on ACMG/AMP sequence variant interpretation guidelines (Richards et al. 2015 PMID: 25741868, with internal and published modifications).